The following is an entry in ClinVar:

ClinVar aggregate classification (germline): Uncertain significance (1 of 4 stars; one submission).

Submission:

CeGaT Center for Human Genetics Tuebingen
Classification: Uncertain significance. Last evaluated: 2022-03-01. Review status: criteria provided, single submitter. Criteria: CeGaT Center For Human Genetics Tuebingen Variant Classification Criteria Version 2. Collection method: clinical testing. Allele origin: germline. Affected: yes. Observed: 1 variant allele.
Comment: KDM4B: PM2, BP4

NM_015015.3(KDM4B):c.1115+990G>C

Gene: KDM4B (lysine demethylase 4B; plus strand). Cytogenetic location: 19p13.3.
Variant type: single nucleotide variant.
Coding change: c.1115+990G>C on transcript NM_015015.3 (MANE Select); 990 bases into the intron after coding-DNA position 1115, G replaced by C.
Molecular consequence: intron variant. On other transcripts: missense variant (1), synonymous variant (1).
Genome position (GRCh38, 1-based): chr19:5,111,808, G>C. VCF-style: chr19-5111808-G-C. GRCh37 (hg19) VCF-style: chr19-5111819-G-C.
Other names: c.1319G>C, p.Arg440Pro (NM_001370093.1); c.1149G>C, p.Pro383= (NM_001370094.1); c.1115+990G>C (NM_001411148.1); short protein forms R440P.
Identifiers: ClinVar variation 2649094 (VCV002649094.24), dbSNP rs370076937, ClinGen allele CA403495644.